The following is an entry in ClinVar:

ClinVar aggregate classification (germline): Uncertain significance (1 of 4 stars; one submission).

Conditions:
Bloom syndrome (BLM). Also called: Bloom-Torre-Machacek syndrome. Identifiers: Orphanet 125, MedGen C0005859, MONDO:0008876, OMIM 210900.

Submission:

Labcorp Genetics (formerly Invitae), Labcorp
Classification: Uncertain significance for Bloom syndrome. Last evaluated: 2025-02-04. Review status: criteria provided, single submitter. Criteria: Invitae Variant Classification Sherloc (09022015). Collection method: clinical testing. Allele origin: germline.
Comment: This sequence change replaces glutamic acid, which is acidic and polar, with lysine, which is basic and polar, at codon 11 of the BLM protein (p.Glu11Lys). This variant is not present in population databases (gnomAD no frequency). This variant has not been reported in the literature in individuals affected with BLM-related conditions. An algorithm developed to predict the effect of missense changes on protein structure and function (PolyPhen-2) suggests that this variant is likely to be tolerated. In summary, the available evidence is currently insufficient to determine the role of this variant in disease. Therefore, it has been classified as a Variant of Uncertain Significance.

NM_000057.4(BLM):c.31G>A (p.Glu11Lys)

Gene: BLM (BLM RecQ like helicase; plus strand). Cytogenetic location: 15q26.1.
Variant type: single nucleotide variant.
Coding change: c.31G>A on transcript NM_000057.4 (MANE Select); coding-DNA position 31, G replaced by A.
Protein change: p.Glu11Lys; replaces glutamic acid 11 with lysine.
Molecular consequence: missense variant. On other transcripts: 5 prime UTR variant (1).
Genome position (GRCh38, 1-based): chr15:90,747,423, G>A. VCF-style: chr15-90747423-G-A. GRCh37 (hg19) VCF-style: chr15-91290653-G-A.
Other names: c.31G>A, p.Glu11Lys (NM_001287246.2, NM_001287247.2); c.-1261G>A (NM_001287248.2); short protein forms E11K.
Identifiers: ClinVar variation 4744284 (VCV004744284.1).